The following is an entry in ClinVar:

ClinVar aggregate classification (germline): Uncertain significance (1 of 4 stars; one submission).

Conditions:
Nemaline myopathy 6 (NEM6). Also called: Nemaline myopathy 6, autosomal dominant. Identifiers: Orphanet 171439, MedGen C1836472, MONDO:0012237, OMIM 609273.

Allele frequency attached by ClinVar (database versions not stated): gnomAD 0.00002; TOPMed 0.00003.
gnomAD v4.1: 4 of 1,597,320 alleles (0.00025%); highest among the groups gnomAD compares: African/African-American, 0.0054%; no homozygotes.

Submission:

Labcorp Genetics (formerly Invitae), Labcorp
Classification: Uncertain significance for Nemaline myopathy 6. Last evaluated: 2025-09-10. Review status: criteria provided, single submitter. Criteria: Invitae Variant Classification Sherloc (09022015). Collection method: clinical testing. Allele origin: germline.
Comment: This sequence change replaces alanine, which is neutral and non-polar, with proline, which is neutral and non-polar, at codon 329 of the KBTBD13 protein (p.Ala329Pro). This variant is not present in population databases (gnomAD no frequency). This variant has not been reported in the literature in individuals affected with KBTBD13-related conditions. ClinVar contains an entry for this variant (Variation ID: 1520742). Invitae Evidence Modeling of protein sequence and biophysical properties (such as structural, functional, and spatial information, amino acid conservation, physicochemical variation, residue mobility, and thermodynamic stability) indicates that this missense variant is not expected to disrupt KBTBD13 protein function with a negative predictive value of 80%. In summary, the available evidence is currently insufficient to determine the role of this variant in disease. Therefore, it has been classified as a Variant of Uncertain Significance.

NM_001101362.3(KBTBD13):c.985G>C (p.Ala329Pro)

Gene: KBTBD13 (kelch repeat and BTB domain containing 13; plus strand). Cytogenetic location: 15q22.31.
Variant type: single nucleotide variant.
Coding change: c.985G>C on transcript NM_001101362.3 (MANE Select); coding-DNA position 985, G replaced by C.
Protein change: p.Ala329Pro; replaces alanine 329 with proline.
Molecular consequence: missense variant.
Genome position (GRCh38, 1-based): chr15:65,077,800, G>C. VCF-style: chr15-65077800-G-C. GRCh37 (hg19) VCF-style: chr15-65370138-G-C.
Other names: short protein forms A329P.
Identifiers: ClinVar variation 1520742 (VCV001520742.8), dbSNP rs1158844505, ClinGen allele CA392864848.